The following is an entry in ClinVar:

Conditions:
Breast-ovarian cancer, familial, susceptibility to, 1 (BROVCA1). Also called: BRCA1 Hereditary Breast and Ovarian Cancer; OVARIAN CANCER, SUSCEPTIBILITY TO. Identifiers: Orphanet 145, MedGen C2676676, MONDO:0011450, OMIM 604370. Disease mechanism: loss of function.

Submission:

Brotman Baty Institute, University of Washington
No classification provided (evidence only). Condition: Breast-ovarian cancer, familial 1. Review status: no classification provided. Collection method: in vitro. Allele origin: not applicable. Functional consequence: functionally_normal.
ClinVar note: "not provided" was previously submitted as the classification for the variant. However, the classification appeared to be based only on an observation of functional data so it was converted to no classification on 2025-07-30.

NM_007294.4(BRCA1):c.198T>G (p.Asn66Lys)

Gene: BRCA1 (BRCA1 DNA repair associated; minus strand). Cytogenetic location: 17q21.31.
Variant type: single nucleotide variant.
Coding change: c.198T>G on transcript NM_007294.4 (MANE Select); coding-DNA position 198, T replaced by G.
Protein change: p.Asn66Lys; replaces asparagine 66 with lysine.
Molecular consequence: missense variant.
Genome position (GRCh38, 1-based): chr17:43,106,470, A>C on the plus strand (T>G on the coding strand, the complement: BRCA1 is on the minus strand). VCF-style: chr17-43106470-A-C. GRCh37 (hg19) VCF-style: chr17-41258487-A-C.
Other names: c.198T>G, p.Asn66Lys (NM_001407863.1, NM_001407919.1, NM_001407937.1 and 168 more transcripts); c.57T>G, p.Asn19Lys (NM_001407920.1, NM_001407921.1, NM_001407922.1 and 99 more transcripts); short protein forms N19K, N66K.
Identifiers: ClinVar variation 865251 (VCV000865251.3), dbSNP rs878854936, ClinGen allele CA10601770.